The following is an entry in ClinVar:

ClinVar aggregate classification (germline): Uncertain significance (1 of 4 stars; one submission).

Conditions:
Multiple endocrine neoplasia, type 1 (MEN1). Also called: Endocrine adenomatosis multiple; MEN 1; MEN I; WERMER SYNDROME; MEA I. Identifiers: Orphanet 652, MedGen C0025267, MeSH D018761, MONDO:0007540, OMIM 131100.

Submission:

Labcorp Genetics (formerly Invitae), Labcorp
Classification: Uncertain significance for Multiple endocrine neoplasia, type 1. Last evaluated: 2023-11-01. Review status: criteria provided, single submitter. Criteria: Invitae Variant Classification Sherloc (09022015). Collection method: clinical testing. Allele origin: germline.
Comment: This sequence change replaces tyrosine, which is neutral and polar, with phenylalanine, which is neutral and non-polar, at codon 312 of the MEN1 protein (p.Tyr312Phe). This variant is not present in population databases (gnomAD no frequency). This variant has not been reported in the literature in individuals affected with MEN1-related conditions. ClinVar contains an entry for this variant (Variation ID: 657259). Advanced modeling of protein sequence and biophysical properties (such as structural, functional, and spatial information, amino acid conservation, physicochemical variation, residue mobility, and thermodynamic stability) performed at Invitae indicates that this missense variant is expected to disrupt MEN1 protein function with a positive predictive value of 80%. In summary, the available evidence is currently insufficient to determine the role of this variant in disease. Therefore, it has been classified as a Variant of Uncertain Significance.

NM_001370259.2(MEN1):c.935A>T (p.Tyr312Phe)

Gene: MEN1 (menin 1; minus strand). Cytogenetic location: 11q13.1.
Variant type: single nucleotide variant.
Coding change: c.935A>T on transcript NM_001370259.2 (MANE Select); coding-DNA position 935, A replaced by T.
Protein change: p.Tyr312Phe; replaces tyrosine 312 with phenylalanine.
Molecular consequence: missense variant.
Genome position (GRCh38, 1-based): chr11:64,806,346, T>A on the plus strand (A>T on the coding strand, the complement: MEN1 is on the minus strand). VCF-style: chr11-64806346-T-A. GRCh37 (hg19) VCF-style: chr11-64573818-T-A.
Other names: c.950A>T, p.Tyr317Phe (NM_000244.4, NM_130800.3, NM_130801.3 and 3 more transcripts); c.935A>T, p.Tyr312Phe (NM_001370251.2, NM_001370260.2, NM_001370261.2 and 1 more transcripts); c.830A>T, p.Tyr277Phe (NM_001370262.2, NM_001370263.2); short protein forms Y312F, Y277F, Y317F.
Identifiers: ClinVar variation 657259 (VCV000657259.8), dbSNP rs1592643944, ClinGen allele CA381183415.